The following is an entry in ClinVar:

NM_004637.6(RAB7A):c.590G>A (p.Arg197Gln)

Genes: RAB7A (RAB7A, member RAS oncogene family; plus strand), LOC112872299 (Sharpr-MPRA regulatory region 6458; plus strand). Cytogenetic location: 3q21.3.
Variant type: single nucleotide variant.
Coding change: c.590G>A on transcript NM_004637.6 (MANE Select); coding-DNA position 590, G replaced by A.
Protein change: p.Arg197Gln; replaces arginine 197 with glutamine.
Molecular consequence: missense variant.
Genome position (GRCh38, 1-based): chr3:128,813,388, G>A. VCF-style: chr3-128813388-G-A. GRCh37 (hg19) VCF-style: chr3-128532231-G-A.
Other names: short protein forms R197Q.
Identifiers: ClinVar variation 841119 (VCV000841119.11), dbSNP rs779472408, ClinGen allele CA2600888.

ClinVar aggregate classification (germline): Uncertain significance. Review status: criteria provided, multiple submitters, no conflicts (2 of 4 stars). 3 submissions from 3 submitters: Uncertain significance (3). Last evaluated 2025-06-16.

Conditions:
Inborn genetic diseases. Identifiers: MedGen C0950123, MeSH D030342.
Charcot-Marie-Tooth disease type 2B (CMT2B). Also called: CHARCOT-MARIE-TOOTH DISEASE, AXONAL, TYPE 2B; CHARCOT-MARIE-TOOTH DISEASE, AUTOSOMAL DOMINANT, TYPE 2B; Charcot-Marie-Tooth Neuropathy Type 2B; HEREDITARY MOTOR AND SENSORY NEUROPATHY IIB. Identifiers: Orphanet 99936, MedGen C1833219, MONDO:0010949, OMIM 600882.

Allele frequency attached by ClinVar (database versions not stated): ExAC 0.00001; gnomAD 0.00001; gnomAD exomes below 0.00001 and 0.00001; TOPMed 0.00005.
gnomAD v4.1: 5 of 1,614,068 alleles (0.00031%); highest among the groups gnomAD compares: Admixed American, 0.0033%; no homozygotes.

Submissions (3):

Dasa
Classification: Uncertain significance. Last evaluated: 2025-06-16. Review status: criteria provided, single submitter. Criteria: DASA Assertion Criteria. Collection method: clinical testing. Allele origin: germline.
Comment: NM_004637.6(RAB7A):c.590G>A (p.Arg197Gln) is a missense variant that results in the substitution of arginine with glutamine. Multiple computational predictions support a deleterious effect on the gene or gene product. The variant is present at low frequency in population datasets. Based on the available data, this variant is classified as variant of uncertain significance.

Labcorp Genetics (formerly Invitae), Labcorp
Classification: Uncertain significance for Charcot-Marie-Tooth disease type 2B. Last evaluated: 2025-02-12. Review status: criteria provided, single submitter. Criteria: Invitae Variant Classification Sherloc (09022015). Collection method: clinical testing. Allele origin: germline.
Comment: This sequence change replaces arginine, which is basic and polar, with glutamine, which is neutral and polar, at codon 197 of the RAB7A protein (p.Arg197Gln). This variant is present in population databases (rs779472408, gnomAD 0.003%). This variant has not been reported in the literature in individuals affected with RAB7A-related conditions. ClinVar contains an entry for this variant (Variation ID: 841119). An algorithm developed to predict the effect of missense changes on protein structure and function (PolyPhen-2) suggests that this variant is likely to be tolerated. In summary, the available evidence is currently insufficient to determine the role of this variant in disease. Therefore, it has been classified as a Variant of Uncertain Significance.

Ambry Genetics
Classification: Uncertain significance for Inborn genetic diseases. Last evaluated: 2024-06-13. Review status: criteria provided, single submitter. Criteria: Ambry Variant Classification Scheme 2023. Collection method: clinical testing. Allele origin: germline.